The following is an entry in ClinVar:

ClinVar aggregate classification (germline): Uncertain significance. Review status: criteria provided, multiple submitters, no conflicts (2 of 4 stars). 2 submissions from 2 submitters: Uncertain significance (2). Last evaluated 2025-09-09.

Conditions:
Inborn genetic diseases. Identifiers: MedGen C0950123, MeSH D030342.

gnomAD v4.1: 1 of 1,600,906 alleles (0.000062%); highest among the groups gnomAD compares: Non-Finnish European, 0.000085%; no homozygotes.

Submissions (2):

Ambry Genetics
Classification: Uncertain significance for Inborn genetic diseases. Last evaluated: 2025-09-09. Review status: criteria provided, single submitter. Criteria: Ambry Variant Classification Scheme 2023. Collection method: clinical testing. Allele origin: germline.

Labcorp Genetics (formerly Invitae), Labcorp
Classification: Uncertain significance. Last evaluated: 2021-05-19. Review status: criteria provided, single submitter. Criteria: Invitae Variant Classification Sherloc (09022015). Collection method: clinical testing. Allele origin: germline.
Comment: This variant has not been reported in the literature in individuals with HSPG2-related conditions. This variant is not present in population databases (ExAC no frequency). This sequence change replaces glutamine with histidine at codon 1268 of the HSPG2 protein (p.Gln1268His). The glutamine residue is weakly conserved and there is a small physicochemical difference between glutamine and histidine. Algorithms developed to predict the effect of missense changes on protein structure and function are either unavailable or do not agree on the potential impact of this missense change (SIFT: "Tolerated"; PolyPhen-2: "Possibly Damaging"; Align-GVGD: "Class C0"). In summary, the available evidence is currently insufficient to determine the role of this variant in disease. Therefore, it has been classified as a Variant of Uncertain Significance.

NM_005529.7(HSPG2):c.3804G>C (p.Gln1268His)

Gene: HSPG2 (heparan sulfate proteoglycan 2; minus strand). Cytogenetic location: 1p36.12.
Variant type: single nucleotide variant.
Coding change: c.3804G>C on transcript NM_005529.7 (MANE Select); coding-DNA position 3804, G replaced by C.
Protein change: p.Gln1268His; replaces glutamine 1268 with histidine.
Molecular consequence: missense variant.
Genome position (GRCh38, 1-based): chr1:21,873,081, C>G on the plus strand (G>C on the coding strand, the complement: HSPG2 is on the minus strand). VCF-style: chr1-21873081-C-G. GRCh37 (hg19) VCF-style: chr1-22199574-C-G.
Other names: c.3804G>C (NM_005529.5); c.3807G>C, p.Gln1269His (NM_001291860.2); short protein forms Q1269H, Q1268H.
Identifiers: ClinVar variation 1396675 (VCV001396675.9), dbSNP rs749232550, ClinGen allele CA338959907.
Genomic context (GRCh38, chr1:21,873,081, plus strand): 5'-ATCACACTGGCTGCTGACGCTGCCTTGGGGGTCACAGTTGCAGCCTATGGGCCCTGGCAC[C>G]TGGCTGTCTCCTGAGGTGGAAGAAAGCCATGGCTGGAGCCCCAAACCCGCCACCCAGCAC-3'
Protein context (NP_005520.4, residues 1258-1278): SQGQPCQRDS[Gln1268His]VPGPIGCNCD